The following is an entry in ClinVar:

ClinVar aggregate classification (germline): Likely benign. Review status: criteria provided, multiple submitters, no conflicts (2 of 4 stars). 3 submissions from 3 submitters: Likely benign (2). 1 of the submissions does not count toward it. Last evaluated 2026-01-29.

Conditions:
NCF4-related disorder. Also called: NCF4-related condition.
Granulomatous disease, chronic, autosomal recessive, cytochrome b-positive, type 3. Also called: GRANULOMATOUS DISEASE, CHRONIC, DUE TO NCF4 DEFICIENCY; Granulomatous disease, chronic, autosomal recessive, cytochrome b-positive, type III; GRANULOMATOUS DISEASE, CHRONIC, AUTOSOMAL RECESSIVE, 3; CGD, AUTOSOMAL RECESSIVE CYTOCHROME b-POSITIVE, TYPE III. Identifiers: Orphanet 379, MedGen C3151409, MONDO:0013507, OMIM 613960.

Allele frequency attached by ClinVar (database versions not stated): TOPMed 0.00023; gnomAD exomes 0.00036 and 0.00038; ExAC 0.00038; ESP Exome Variant Server 0.00054.
gnomAD v4.1: 600 of 1,608,198 alleles (0.037%); highest among the groups gnomAD compares: Non-Finnish European, 0.04%; no homozygotes.

Submissions (3):

Labcorp Genetics (formerly Invitae), Labcorp
Classification: Likely benign for Granulomatous disease, chronic, autosomal recessive, cytochrome b-positive, type 3. Last evaluated: 2026-01-29. Review status: criteria provided, single submitter. Criteria: Invitae Variant Classification Sherloc (09022015). Collection method: clinical testing. Allele origin: germline.

Blueprint Genetics
Classification: Likely benign. Last evaluated: 2024-07-02. Review status: criteria provided, single submitter. Criteria: ACMG Guidelines, 2015. Collection method: clinical testing. Allele origin: germline.

PreventionGenetics, part of Exact Sciences
Classification: Likely benign for NCF4-related condition. Last evaluated: 2022-03-11. Review status: no assertion criteria provided. Collection method: clinical testing. Allele origin: germline. Not counted in ClinVar's aggregate classification.
Comment: This variant is classified as likely benign based on ACMG/AMP sequence variant interpretation guidelines (Richards et al. 2015 PMID: 25741868, with internal and published modifications).

NM_000631.5(NCF4):c.271+6C>T

Genes: NCF4 (neutrophil cytosolic factor 4; plus strand), NCF4-AS1 (NCF4 antisense RNA 1; minus strand). Cytogenetic location: 22q12.3.
Variant type: single nucleotide variant.
Coding change: c.271+6C>T on transcript NM_000631.5 (MANE Select); 6 bases into the intron after coding-DNA position 271, C replaced by T.
Molecular consequence: intron variant.
Genome position (GRCh38, 1-based): chr22:36,865,078, C>T. VCF-style: chr22-36865078-C-T. GRCh37 (hg19) VCF-style: chr22-37261120-C-T.
Other names: c.271+6C>T (NM_013416.4).
Identifiers: ClinVar variation 341552 (VCV000341552.15), dbSNP rs200052796, ClinGen allele CA10212905.